The following is an entry in ClinVar:

NM_015378.4(VPS13D):c.4544A>T (p.Asp1515Val)

Gene: VPS13D (vacuolar protein sorting 13 homolog D; plus strand). Cytogenetic location: 1p36.22.
Variant type: single nucleotide variant.
Coding change: c.4544A>T on transcript NM_015378.4 (MANE Select); coding-DNA position 4544, A replaced by T.
Protein change: p.Asp1515Val; replaces aspartic acid 1515 with valine.
Molecular consequence: missense variant.
Genome position (GRCh38, 1-based): chr1:12,279,592, A>T. VCF-style: chr1-12279592-A-T. GRCh37 (hg19) VCF-style: chr1-12339649-A-T.
Other names: c.4544A>T, p.Asp1515Val (NM_018156.4); short protein forms D1515V.
Identifiers: ClinVar variation 2093887 (VCV002093887.4), dbSNP rs1268868204, ClinGen allele CA338479794.

ClinVar aggregate classification (germline): Uncertain significance (1 of 4 stars; one submission).

Allele frequency attached by ClinVar (database versions not stated): gnomAD exomes below 0.00001; TOPMed below 0.00001.
gnomAD v4.1: 6 of 1,613,594 alleles (0.00037%); highest among the groups gnomAD compares: Admixed American, 0.0017%; no homozygotes.

Submission:

Labcorp Genetics (formerly Invitae), Labcorp
Classification: Uncertain significance. Last evaluated: 2022-07-19. Review status: criteria provided, single submitter. Criteria: Invitae Variant Classification Sherloc (09022015). Collection method: clinical testing. Allele origin: germline.
Comment: This sequence change replaces aspartic acid, which is acidic and polar, with valine, which is neutral and non-polar, at codon 1515 of the VPS13D protein (p.Asp1515Val). This variant is present in population databases (no rsID available, gnomAD 0.003%). In summary, the available evidence is currently insufficient to determine the role of this variant in disease. Therefore, it has been classified as a Variant of Uncertain Significance. Algorithms developed to predict the effect of missense changes on protein structure and function are either unavailable or do not agree on the potential impact of this missense change (SIFT: "Not Available"; PolyPhen-2: "Benign"; Align-GVGD: "Not Available"). This variant has not been reported in the literature in individuals affected with VPS13D-related conditions.